The following is an entry in ClinVar:

NM_006231.4(POLE):c.797G>A (p.Arg266Gln)

Gene: POLE (DNA polymerase epsilon, catalytic subunit; minus strand). Cytogenetic location: 12q24.33.
Variant type: single nucleotide variant.
Coding change: c.797G>A on transcript NM_006231.4 (MANE Select); coding-DNA position 797, G replaced by A.
Protein change: p.Arg266Gln; replaces arginine 266 with glutamine.
Molecular consequence: missense variant.
Genome position (GRCh38, 1-based): chr12:132,677,367, C>T on the plus strand (G>A on the coding strand, the complement: POLE is on the minus strand). VCF-style: chr12-132677367-C-T. GRCh37 (hg19) VCF-style: chr12-133253953-C-T.
Other names: short protein forms R266Q.
Identifiers: ClinVar variation 240629 (VCV000240629.21), dbSNP rs115786159, ClinGen allele CA10583027.

ClinVar aggregate classification (germline): Uncertain significance. Review status: criteria provided, multiple submitters, no conflicts (2 of 4 stars). 7 submissions from 7 submitters: Uncertain significance (7). Last evaluated 2026-01-31.

Conditions:
Colorectal cancer, susceptibility to, 12 (CRCS12). Also called: COLORECTAL CANCER, SUSCEPTIBILITY TO, ON CHROMOSOME 12q24. Identifiers: Orphanet 220460, MedGen C3554460, MONDO:0014038, OMIM 615083.
Facial dysmorphism-immunodeficiency-livedo-short stature syndrome. Also called: Facial dysmorphism, immunodeficiency, livedo, and short stature; FILS syndrome. Identifiers: Orphanet 352712, MedGen C3554576, MONDO:0014058, OMIM 615139.
Intrauterine growth retardation, metaphyseal dysplasia, adrenal hypoplasia congenita, genital anomalies, and immunodeficiency. Also called: IMAGEI SYNDROME. Identifiers: MedGen C5193036, MONDO:0032684, OMIM 618336.
Hereditary cancer-predisposing syndrome. Also called: Tumor predisposition; Neoplastic Syndromes, Hereditary; Hereditary Cancer Syndrome; Hereditary neoplastic syndrome. Identifiers: Orphanet 140162, MedGen C0027672, MeSH D009386, MONDO:0015356.

gnomAD v4.1: 22 of 1,613,106 alleles (0.0014%); highest among the groups gnomAD compares: East Asian, 0.0067%; no homozygotes.

Submissions (7):

Labcorp Genetics (formerly Invitae), Labcorp
Classification: Uncertain significance. Last evaluated: 2026-01-31. Review status: criteria provided, single submitter. Criteria: Invitae Variant Classification Sherloc (09022015). Collection method: clinical testing. Allele origin: germline.
Comment: This sequence change replaces arginine, which is basic and polar, with glutamine, which is neutral and polar, at codon 266 of the POLE protein (p.Arg266Gln). This variant is not present in population databases (gnomAD no frequency). This missense change has been observed in individual(s) with colorectal cancer (PMID: 33193653). ClinVar contains an entry for this variant (Variation ID: 240629). Invitae Evidence Modeling of protein sequence and biophysical properties (such as structural, functional, and spatial information, amino acid conservation, physicochemical variation, residue mobility, and thermodynamic stability) indicates that this missense variant is not expected to disrupt POLE protein function with a negative predictive value of 80%. In summary, the available evidence is currently insufficient to determine the role of this variant in disease. Therefore, it has been classified as a Variant of Uncertain Significance.

Center for Genomic Medicine, Rigshospitalet, Copenhagen University Hospital
Classification: Uncertain significance. Last evaluated: 2025-03-04. Review status: criteria provided, single submitter. Criteria: ACMG Guidelines, 2015. Collection method: clinical testing. Allele origin: germline.

Ambry Genetics
Classification: Uncertain significance for Hereditary cancer-predisposing syndrome. Last evaluated: 2024-12-23. Review status: criteria provided, single submitter. Criteria: Ambry Variant Classification Scheme 2023. Collection method: clinical testing. Allele origin: germline.
Comment: The p.R266Q variant (also known as c.797G>A), located in coding exon 8 of the POLE gene, results from a G to A substitution at nucleotide position 797. The arginine at codon 266 is replaced by glutamine, an amino acid with highly similar properties. This amino acid position is highly conserved in available vertebrate species. In addition, the in silico prediction for this alteration is inconclusive. Based on the available evidence, the clinical significance of this variant remains unclear.

GeneDx
Classification: Uncertain significance. Last evaluated: 2024-08-15. Review status: criteria provided, single submitter. Criteria: GeneDx Variant Classification Process June 2021. Collection method: clinical testing. Allele origin: germline. Affected: yes.
Comment: Not observed at significant frequency in large population cohorts (gnomAD); In silico analysis indicates that this missense variant does not alter protein structure/function; This variant is associated with the following publications: (PMID: 29056344, 33193653)

Fulgent Genetics
Classification: Uncertain significance for Colorectal cancer, susceptibility to, 12; Facial dysmorphism-immunodeficiency-livedo-short stature syndrome; Intrauterine growth retardation, metaphyseal dysplasia, adrenal hypoplasia congenita, genital anomalies, and immunodeficiency. Last evaluated: 2024-03-26. Review status: criteria provided, single submitter. Criteria: ACMG Guidelines, 2015. Collection method: clinical testing. Allele origin: germline.

St. Jude Molecular Pathology, St. Jude Children's Research Hospital
Classification: Uncertain significance for Colorectal cancer, susceptibility to, 12. Last evaluated: 2022-01-27. Review status: criteria provided, single submitter. Criteria: St. Jude Assertion Criteria 2020. Collection method: clinical testing. Allele origin: germline.
Comment: The POLE c.797G>A (p.Arg266Gln) missense variant is absent in gnomAD v2.1.1 (PM2_Supporting ). In silico tools are not in agreement about the effect of this variant on protein function, but to our knowledge these predictions have not been confirmed by functional assays. This variant has been reported in one ultramutated tumor, as well as in tumors with low mutational burden (PMID: 29056344). It has also been reported in one family with history of colorectal cancer (PMID:  33193653). In summary, this variant meets criteria to be classified as of uncertain significance based on the ACMG/AMP criteria: PM2_Supporting.

Sema4
Classification: Uncertain significance for Hereditary cancer-predisposing syndrome. Last evaluated: 2021-04-13. Review status: criteria provided, single submitter. Criteria: Sema4 Curation Guidelines. Collection method: curation. Allele origin: germline.
Comment: The POLE c.797G>A (p.R266Q) variant has been reported in heterozygosity in at least one individual either diagnosed with early onset colorectal cancer, or diagnosed with cancer/polpys with a family history of familial colorectal cancer (PMID: 33193653). It was observed in 1/113760 chromosomes of the Non-Finnish European subpopulation in the large and broad cohorts of the Genome Aggregation Database. The variant has been reported in ClinVar (Variation ID: 240629). In silico tools suggest the impact of the variant on protein function is inconclusive, though these predictions have not been confirmed by functional studies. The evidence is insufficient to meet ACMG/AMP criteria for classifying the variant as benign or pathogenic. Thus, the clinical significance of this variant is currently uncertain.

Literature cited by the submitters: PubMed 33193653 (cited by 3 submitters).